The following is an entry in ClinVar:

ClinVar aggregate classification (germline): Pathogenic (1 of 4 stars; one submission).

Submission:

Labcorp Genetics (formerly Invitae), Labcorp
Classification: Pathogenic. Last evaluated: 2019-04-02. Review status: criteria provided, single submitter. Criteria: Invitae Variant Classification Sherloc (09022015). Collection method: clinical testing. Allele origin: germline.
Comment: For these reasons, this variant has been classified as Pathogenic. Loss-of-function variants in TJP2 are known to be pathogenic (PMID: 24614073, 25921221). This variant has not been reported in the literature in individuals with TJP2-related conditions. This variant is not present in population databases (ExAC no frequency). This sequence change creates a premature translational stop signal (p.Glu629Glyfs*11) in the TJP2 gene. It is expected to result in an absent or disrupted protein product.

Literature cited by the submitters: PubMed 24614073; PubMed 25921221.

NM_004817.4(TJP2):c.1885dup (p.Glu629fs)

Gene: TJP2 (tight junction protein 2; plus strand). Cytogenetic location: 9q21.11.
Variant type: Duplication.
Coding change: c.1885dup on transcript NM_004817.4 (MANE Select); coding-DNA position 1885, one base duplicated (G; older notation c.1885dupG).
Protein change: p.Glu629fs; shifts the reading frame from glutamic acid 629.
Molecular consequence: frameshift variant.
Genome position (GRCh38, 1-based): chr9:69,236,132, G duplicated; the last of 4 consecutive G bases (chr9:69,236,129-69,236,132); duplicating any one gives the same sequence. VCF-style (leftmost placement, unchanged base first): chr9-69236128-A-AG. GRCh37 (hg19) VCF-style: chr9-71851044-A-AG.
Other names: c.1816dup, p.Glu606fs (NM_001170414.2, NM_001369871.1); c.1897dup, p.Glu633fs (NM_001170415.1, NM_001369874.1, NM_001369875.1); c.1978dup, p.Glu660fs (NM_001170416.2); c.1810dup, p.Glu604fs (NM_001369870.1); c.1885dup, p.Glu629fs (NM_001369872.1, NM_001369873.1, NM_201629.3); short protein forms E629fs, E660fs, E604fs, E606fs, E633fs.
Identifiers: ClinVar variation 844723 (VCV000844723.7), dbSNP rs1830170589, ClinGen allele CA916083047.